The following is an entry in ClinVar:

NM_002591.4(PCK1):c.919T>C (p.Cys307Arg)

Gene: PCK1 (phosphoenolpyruvate carboxykinase 1; plus strand). Cytogenetic location: 20q13.31.
Variant type: single nucleotide variant.
Coding change: c.919T>C on transcript NM_002591.4 (MANE Select); coding-DNA position 919, T replaced by C.
Protein change: p.Cys307Arg; replaces cysteine 307 with arginine.
Molecular consequence: missense variant.
Genome position (GRCh38, 1-based): chr20:57,563,685, T>C. VCF-style: chr20-57563685-T-C. GRCh37 (hg19) VCF-style: chr20-56138741-T-C.
Other names: short protein forms C307R.
Identifiers: ClinVar variation 1305743 (VCV001305743.2), dbSNP rs777624810, ClinGen allele CA9922206.

ClinVar aggregate classification (germline): Uncertain significance (1 of 4 stars; one submission).

Allele frequency attached by ClinVar (database versions not stated): gnomAD exomes below 0.00001; ExAC 0.00001.
gnomAD v4.1: 1 of 1,613,672 alleles (0.000062%); highest among the groups gnomAD compares: Non-Finnish European, 0.000085%; no homozygotes.

Submission:

GeneDx
Classification: Uncertain significance. Last evaluated: 2019-05-23. Review status: criteria provided, single submitter. Criteria: GeneDx Variant Classification Process June 2021. Collection method: clinical testing. Allele origin: germline. Affected: yes.
Comment: Not observed at a significant frequency in large population cohorts (Lek et al., 2016); In silico analysis, which includes protein predictors and evolutionary conservation, supports a deleterious effect; Has not been previously published as pathogenic or benign to our knowledge